The following is an entry in ClinVar:

NM_001127222.2(CACNA1A):c.6362T>C (p.Met2121Thr)

Gene: CACNA1A (calcium voltage-gated channel subunit alpha1 A; minus strand). Cytogenetic location: 19p13.13.
Variant type: single nucleotide variant.
Coding change: c.6362T>C on transcript NM_001127222.2 (MANE Select); coding-DNA position 6362, T replaced by C.
Protein change: p.Met2121Thr; replaces methionine 2121 with threonine.
Molecular consequence: missense variant.
Genome position (GRCh38, 1-based): chr19:13,209,476, A>G on the plus strand (T>C on the coding strand, the complement: CACNA1A is on the minus strand). VCF-style: chr19-13209476-A-G. GRCh37 (hg19) VCF-style: chr19-13320290-A-G.
Other names: c.6380T>C, p.Met2127Thr (NM_000068.4, NM_023035.3); c.6365T>C, p.Met2122Thr (NM_001127221.2); c.6371T>C, p.Met2124Thr (NM_001174080.2); short protein forms M2121T, M2122T, M2124T, M2127T.
Identifiers: ClinVar variation 3362190 (VCV003362190.3).

ClinVar aggregate classification (germline): Uncertain significance. Review status: criteria provided, multiple submitters, no conflicts (2 of 4 stars). 2 submissions from 2 submitters: Uncertain significance (2). Last evaluated 2025-11-07.

Conditions:
Developmental and epileptic encephalopathy, 42 (DEE42A). Also called: DEVELOPMENTAL AND EPILEPTIC ENCEPHALOPATHY 42A; EPILEPTIC ENCEPHALOPATHY, EARLY INFANTILE, 42A; Epileptic encephalopathy, early infantile, 42. Identifiers: MedGen C4310716, MONDO:0014917, OMIM 617106.
Episodic ataxia type 2 (EA2). Also called: ATAXIA, EPISODIC, WITH NYSTAGMUS; ATAXIA, FAMILIAL PAROXYSMAL; CEREBELLAR ATAXIA, PAROXYSMAL, ACETAZOLAMIDE-RESPONSIVE; CEREBELLOPATHY, HEREDITARY PAROXYSMAL; EPISODIC ATAXIA, NYSTAGMUS-ASSOCIATED; ACETAZOLAMIDE-RESPONSIVE HEREDITARY PAROXYSMAL CEREBELLAR ATAXIA. Identifiers: Orphanet 97, MedGen C1720416, MONDO:0007163, OMIM 108500.

gnomAD v4.1: 1 of 1,339,794 alleles (0.000075%); highest among the groups gnomAD compares: Admixed American, 0.0034%; no homozygotes.

Submissions (2):

Labcorp Genetics (formerly Invitae), Labcorp
Classification: Uncertain significance for Developmental and epileptic encephalopathy, 42; Episodic ataxia type 2. Last evaluated: 2025-11-07. Review status: criteria provided, single submitter. Criteria: Invitae Variant Classification Sherloc (09022015). Collection method: clinical testing. Allele origin: germline.
Comment: This sequence change replaces methionine, which is neutral and non-polar, with threonine, which is neutral and polar, at codon 2122 of the CACNA1A protein (p.Met2122Thr). This variant is not present in population databases (gnomAD no frequency). This variant has not been reported in the literature in individuals affected with CACNA1A-related conditions. ClinVar contains an entry for this variant (Variation ID: 3362190). Invitae Evidence Modeling of protein sequence and biophysical properties (such as structural, functional, and spatial information, amino acid conservation, physicochemical variation, residue mobility, and thermodynamic stability) indicates that this missense variant is not expected to disrupt CACNA1A protein function with a negative predictive value of 95%. In summary, the available evidence is currently insufficient to determine the role of this variant in disease. Therefore, it has been classified as a Variant of Uncertain Significance.

GeneDx
Classification: Uncertain significance. Last evaluated: 2023-06-01. Review status: criteria provided, single submitter. Criteria: GeneDx Variant Classification Process June 2021. Collection method: clinical testing. Allele origin: germline. Affected: yes.
Comment: Not observed at significant frequency in large population cohorts (gnomAD); In silico analysis supports that this missense variant has a deleterious effect on protein structure/function; Has not been previously published as pathogenic or benign to our knowledge